The following is an entry in ClinVar:

ClinVar aggregate classification (germline): Uncertain significance (1 of 4 stars; one submission).

gnomAD v4.1: 2 of 1,613,950 alleles (0.00012%); highest among the groups gnomAD compares: Non-Finnish European, 0.00017%; no homozygotes.

Submission:

Labcorp Genetics (formerly Invitae), Labcorp
Classification: Uncertain significance. Last evaluated: 2022-12-24. Review status: criteria provided, single submitter. Criteria: Invitae Variant Classification Sherloc (09022015). Collection method: clinical testing. Allele origin: germline.
Comment: This sequence change replaces phenylalanine, which is neutral and non-polar, with leucine, which is neutral and non-polar, at codon 81 of the WNT3A protein (p.Phe81Leu). This variant is not present in population databases (gnomAD no frequency). This variant has not been reported in the literature in individuals affected with WNT3A-related conditions. Advanced modeling of protein sequence and biophysical properties (such as structural, functional, and spatial information, amino acid conservation, physicochemical variation, residue mobility, and thermodynamic stability) performed at Invitae indicates that this missense variant is not expected to disrupt WNT3A protein function. In summary, the available evidence is currently insufficient to determine the role of this variant in disease. Therefore, it has been classified as a Variant of Uncertain Significance.

NM_033131.4(WNT3A):c.243C>A (p.Phe81Leu)

Gene: WNT3A (Wnt family member 3A; plus strand). Cytogenetic location: 1q42.13.
Variant type: single nucleotide variant.
Coding change: c.243C>A on transcript NM_033131.4 (MANE Select); coding-DNA position 243, C replaced by A.
Protein change: p.Phe81Leu; replaces phenylalanine 81 with leucine.
Molecular consequence: missense variant.
Genome position (GRCh38, 1-based): chr1:228,022,838, C>A. VCF-style: chr1-228022838-C-A. GRCh37 (hg19) VCF-style: chr1-228210539-C-A.
Other names: short protein forms F81L.
Identifiers: ClinVar variation 2997889 (VCV002997889.3), dbSNP rs1213331058, ClinGen allele CA345333980.
Genomic context (GRCh38, chr1:228,022,838, plus strand): 5'-GATCATGCCCAGCGTGGCCGAGGGCATCAAGATTGGCATCCAGGAGTGCCAGCACCAGTT[C>A]CGCGGCCGCCGGTGGAACTGCACCACCGTCCACGACAGCCTGGCCATCTTCGGGCCCGTG-3'
Protein context (NP_149122.1, residues 71-91): KIGIQECQHQ[Phe81Leu]RGRRWNCTTV